The following is an entry in ClinVar:

ClinVar aggregate classification (germline): Uncertain significance (1 of 4 stars; one submission).

Conditions:
RASopathy. Also called: Noonan spectrum disorder; rasopathies. Identifiers: Orphanet 536391, MedGen C5555857, MONDO:0021060.

Submission:

Labcorp Genetics (formerly Invitae), Labcorp
Classification: Uncertain significance for RASopathy. Last evaluated: 2022-11-01. Review status: criteria provided, single submitter. Criteria: Invitae Variant Classification Sherloc (09022015). Collection method: clinical testing. Allele origin: germline.
Comment: This variant has not been reported in the literature in individuals affected with MAP2K2-related conditions. This variant is not present in population databases (gnomAD no frequency). This sequence change replaces lysine, which is basic and polar, with methionine, which is neutral and non-polar, at codon 370 of the MAP2K2 protein (p.Lys370Met). ClinVar contains an entry for this variant (Variation ID: 1398919). Advanced modeling performed at Invitae incorporating data from internal and/or published experimental studies (Invitae) indicates that this missense variant is not expected to disrupt MAP2K2 function. In summary, the available evidence is currently insufficient to determine the role of this variant in disease. Therefore, it has been classified as a Variant of Uncertain Significance.

NM_030662.4(MAP2K2):c.1109A>T (p.Lys370Met)

Gene: MAP2K2 (mitogen-activated protein kinase kinase 2; minus strand). Cytogenetic location: 19p13.3.
Variant type: single nucleotide variant.
Coding change: c.1109A>T on transcript NM_030662.4 (MANE Select); coding-DNA position 1109, A replaced by T.
Protein change: p.Lys370Met; replaces lysine 370 with methionine.
Molecular consequence: missense variant.
Genome position (GRCh38, 1-based): chr19:4,090,692, T>A on the plus strand (A>T on the coding strand, the complement: MAP2K2 is on the minus strand). VCF-style: chr19-4090692-T-A. GRCh37 (hg19) VCF-style: chr19-4090690-T-A.
Other names: short protein forms K370M.
Identifiers: ClinVar variation 1398919 (VCV001398919.8), dbSNP rs1599278009, ClinGen allele CA403381152.